The following is an entry in ClinVar:

NM_000138.5(FBN1):c.7936T>A (p.Cys2646Ser)

Gene: FBN1 (fibrillin 1; minus strand). Cytogenetic location: 15q21.1.
Variant type: single nucleotide variant.
Coding change: c.7936T>A on transcript NM_000138.5 (MANE Select); coding-DNA position 7936, T replaced by A.
Protein change: p.Cys2646Ser; replaces cysteine 2646 with serine.
Molecular consequence: missense variant.
Genome position (GRCh38, 1-based): chr15:48,415,651, A>T on the plus strand (T>A on the coding strand, the complement: FBN1 is on the minus strand). VCF-style: chr15-48415651-A-T. GRCh37 (hg19) VCF-style: chr15-48707848-A-T.
Other names: short protein forms C2646S.
Identifiers: ClinVar variation 659715 (VCV000659715.10), dbSNP rs1555393863, ClinGen allele CA392323066.

ClinVar aggregate classification (germline): Pathogenic (1 of 4 stars; one submission).

Conditions:
Familial thoracic aortic aneurysm and aortic dissection (TAAD). Also called: Thoracic aortic aneurysms and dissections. Identifiers: Orphanet 91387, MedGen C4707243, MONDO:0019625.
Marfan syndrome (MFS). Also called: FBN1-Related Marfan Syndrome; Marfan syndrome type 1; Marfan's syndrome; Marfan syndrome, classic; MARFAN SYNDROME, TYPE I. Identifiers: Orphanet 284963, Orphanet 558, MedGen C0024796, MONDO:0007947, OMIM 154700.

Submission:

Labcorp Genetics (formerly Invitae), Labcorp
Classification: Pathogenic for Marfan syndrome; Familial thoracic aortic aneurysm and aortic dissection. Last evaluated: 2020-02-29. Review status: criteria provided, single submitter. Criteria: Invitae Variant Classification Sherloc (09022015). Collection method: clinical testing. Allele origin: germline.
Comment: For these reasons, this variant has been classified as Pathogenic. This variant disrupts the p.Cys2646 amino acid residue in FBN1. Other variant(s) that disrupt this residue have been observed in affected individuals (PMID: 21542060, 27906200), which suggests that this may be a clinically significant amino acid residue. This variant affects a cysteine residue in the EGF-like, TGFBP or hybrid motif domains FBN1. Cysteine residues are believed to be involved in intramolecular disulfide bridges and have been shown to be important for FBN1 protein structure (PMID: 16905551, 19349279). In addition, missense substitutions affecting cysteine residues within these domains are significantly overrepresented among patients with Marfan syndrome (PMID: 16571647, 17701892). This variant has been observed to segregate with clinical features of Marfan syndrome in a family (Invitae). This variant is not present in population databases (ExAC no frequency). This sequence change replaces cysteine with serine at codon 2646 of the FBN1 protein (p.Cys2646Ser). The cysteine residue is highly conserved and there is a moderate physicochemical difference between cysteine and serine.

Literature cited by the submitters: PubMed 21542060; PubMed 27906200; PubMed 16905551; PubMed 19349279; PubMed 16571647; PubMed 17701892.